The following is an entry in ClinVar:

NM_139057.4(ADAMTS17):c.1901A>G (p.Glu634Gly)

Gene: ADAMTS17 (ADAM metallopeptidase with thrombospondin type 1 motif 17; minus strand). Cytogenetic location: 15q26.3.
Variant type: single nucleotide variant.
Coding change: c.1901A>G on transcript NM_139057.4 (MANE Select); coding-DNA position 1901, A replaced by G.
Protein change: p.Glu634Gly; replaces glutamic acid 634 with glycine.
Molecular consequence: missense variant.
Genome position (GRCh38, 1-based): chr15:100,109,104, T>C on the plus strand (A>G on the coding strand, the complement: ADAMTS17 is on the minus strand). VCF-style: chr15-100109104-T-C. GRCh37 (hg19) VCF-style: chr15-100649309-T-C.
Other names: short protein forms E634G.
Identifiers: ClinVar variation 1954064 (VCV001954064.5), dbSNP rs759262722, ClinGen allele CA7757988.
Genomic context (GRCh38, chr15:100,109,104, plus strand): 5'-TCCAGGACCCTGTCGGCCACCAGCAGTGGGGACTCCTTCCCGAGGGGCGAGCAGTAGAGT[T>C]CACATGGCTTATCTGAGGAGGGAAAGGTTGGAGGACGTTGACACGGGAAGGTGTGCGTGG-3'
Protein context (NP_620688.2, residues 624-644): TAVVVDDKPC[Glu634Gly]LYCSPLGKES

ClinVar aggregate classification (germline): Uncertain significance (1 of 4 stars; one submission).

Allele frequency attached by ClinVar (database versions not stated): gnomAD exomes below 0.00001; TOPMed below 0.00001; ExAC 0.00001.
gnomAD v4.1: 1 of 1,612,686 alleles (0.000062%); highest among the groups gnomAD compares: Admixed American, 0.0017%; no homozygotes.

Submission:

Labcorp Genetics (formerly Invitae), Labcorp
Classification: Uncertain significance. Last evaluated: 2022-05-08. Review status: criteria provided, single submitter. Criteria: Invitae Variant Classification Sherloc (09022015). Collection method: clinical testing. Allele origin: germline.
Comment: This sequence change replaces glutamic acid, which is acidic and polar, with glycine, which is neutral and non-polar, at codon 634 of the ADAMTS17 protein (p.Glu634Gly). This variant is present in population databases (rs759262722, gnomAD 0.003%). This variant has not been reported in the literature in individuals affected with ADAMTS17-related conditions. Algorithms developed to predict the effect of missense changes on protein structure and function are either unavailable or do not agree on the potential impact of this missense change (SIFT: "Not Available"; PolyPhen-2: "Benign"; Align-GVGD: "Not Available"). In summary, the available evidence is currently insufficient to determine the role of this variant in disease. Therefore, it has been classified as a Variant of Uncertain Significance.